The following is an entry in ClinVar:

ClinVar aggregate classification (germline): Uncertain significance (1 of 4 stars; one submission).

Conditions:
Inborn genetic diseases. Identifiers: MedGen C0950123, MeSH D030342.

Submission:

Ambry Genetics
Classification: Uncertain significance for Inborn genetic diseases. Last evaluated: 2025-08-28. Review status: criteria provided, single submitter. Criteria: Ambry Variant Classification Scheme 2023. Collection method: clinical testing. Allele origin: germline.
Comment: The p.S309C variant (also known as c.925A>T), located in coding exon 11 of the FANCA gene, results from an A to T substitution at nucleotide position 925. The serine at codon 309 is replaced by cysteine, an amino acid with dissimilar properties. This amino acid position is conserved. In addition, this alteration is predicted to be tolerated by in silico analysis. Based on the available evidence, the clinical significance of this variant remains unclear.

NM_000135.4(FANCA):c.925A>T (p.Ser309Cys)

Gene: FANCA (FA complementation group A; minus strand). Cytogenetic location: 16q24.3.
Variant type: single nucleotide variant.
Coding change: c.925A>T on transcript NM_000135.4 (MANE Select); coding-DNA position 925, A replaced by T.
Protein change: p.Ser309Cys; replaces serine 309 with cysteine.
Molecular consequence: missense variant.
Genome position (GRCh38, 1-based): chr16:89,795,987, T>A on the plus strand (A>T on the coding strand, the complement: FANCA is on the minus strand). VCF-style: chr16-89795987-T-A. GRCh37 (hg19) VCF-style: chr16-89862395-T-A.
Other names: c.925A>T, p.Ser309Cys (NM_001286167.3); short protein forms S309C.
Identifiers: ClinVar variation 4254316 (VCV004254316.1).
Genomic context (GRCh38, chr16:89,795,987, plus strand): 5'-TGAGTATCTGAGTCAGGGTATGACTGAAGAACCTCTTCAGAGGATCTGTGGAAATTACAC[T>A]GCCAAGCGTGTGTCCACTGAACACTCCGAACCTGCCAATGCAGCAGAAAGAGGGGTCAGG-3'
Protein context (NP_000126.2, residues 299-319): FGVFSGHTLG[Ser309Cys]VISTDPLKRF